The following is an entry in ClinVar:

NM_004333.6(BRAF):c.1140+188C>T

Genes: BRAF (B-Raf proto-oncogene, serine/threonine kinase; minus strand), LOC126860202 (BRD4-independent group 4 enhancer GRCh37_chr7:140493623-140494822; plus strand). Cytogenetic location: 7q34.
Variant type: single nucleotide variant.
Coding change: c.1140+188C>T on transcript NM_004333.6 (MANE Select); 188 bases into the intron after coding-DNA position 1140, C replaced by T.
Molecular consequence: intron variant.
Genome position (GRCh38, 1-based): chr7:140,794,120, G>A on the plus strand (C>T on the coding strand, the complement: BRAF is on the minus strand). VCF-style: chr7-140794120-G-A. GRCh37 (hg19) VCF-style: chr7-140493920-G-A.
Other names: c.1140+188C>T (NM_001378474.1, NM_001378471.1, NM_001378468.1 and 4 more transcripts); c.1038+188C>T (NM_001378470.1); c.876+188C>T (NM_001378475.1); c.1149+188C>T (NM_001378467.1); c.984+188C>T (NM_001378472.1, NM_001378473.1).
Identifiers: ClinVar variation 2658069 (VCV002658069.24), dbSNP rs185238721, ClinGen allele CA168100571.

ClinVar aggregate classification (germline): Likely benign (1 of 4 stars; one submission).

Allele frequency attached by ClinVar (database versions not stated): 1000 Genomes Project 0.00200; gnomAD 0.00259; TOPMed 0.00276; 1000 Genomes Project 30x 0.00281.
gnomAD v4.1: 388 of 152,312 alleles (0.25%); highest among the groups gnomAD compares: African/African-American, 0.9%; 2 homozygotes.

Submission:

CeGaT Center for Human Genetics Tuebingen
Classification: Likely benign. Last evaluated: 2026-07-01. Review status: criteria provided, single submitter. Criteria: CeGaT Center For Human Genetics Tuebingen Variant Classification Criteria Version 2. Collection method: clinical testing. Allele origin: germline. Affected: yes. Observed: 4 variant alleles.
Comment: BRAF: BS1